The following is an entry in ClinVar:

NM_001375524.1(TRRAP):c.8812A>G (p.Thr2938Ala)

Gene: TRRAP (transformation/transcription domain associated protein; plus strand). Cytogenetic location: 7q22.1.
Variant type: single nucleotide variant.
Coding change: c.8812A>G on transcript NM_001375524.1 (MANE Select); coding-DNA position 8812, A replaced by G.
Protein change: p.Thr2938Ala; replaces threonine 2938 with alanine.
Molecular consequence: missense variant.
Genome position (GRCh38, 1-based): chr7:98,981,946, A>G. VCF-style: chr7-98981946-A-G. GRCh37 (hg19) VCF-style: chr7-98579569-A-G.
Other names: c.8791A>G, p.Thr2931Ala (NM_001244580.2); c.8737A>G, p.Thr2913Ala (NM_003496.4); c.8791A>G (NM_001244580.1); short protein forms T2931A, T2913A, T2938A.
Identifiers: ClinVar variation 2785183 (VCV002785183.4), dbSNP rs2484968256, ClinGen allele CA368311307.
Genomic context (GRCh38, chr7:98,981,946, plus strand): 5'-GCCAGCAGCCTGGCCATCCGCGAGTGGCGGCGGCTGCCCCACGTAGTGTCCCACGTGCAC[A>G]CGCCTCTCCTACAGGTGCGTGCGGTGCCCCCATGCGAGCACAGGCCTGTGGCCTGTCGCA-3'
Protein context (NP_001362453.1, residues 2928-2948): RLPHVVSHVH[Thr2938Ala]PLLQAAQQII

ClinVar aggregate classification (germline): Uncertain significance. Review status: criteria provided, multiple submitters, no conflicts (2 of 4 stars). 2 submissions from 2 submitters: Uncertain significance (2). Last evaluated 2025-11-05.

Conditions:
Inborn genetic diseases. Identifiers: MedGen C0950123, MeSH D030342.

Allele frequency attached by ClinVar (database versions not stated): gnomAD exomes below 0.00001.
gnomAD v4.1: 2 of 1,598,880 alleles (0.00013%); highest among the groups gnomAD compares: Non-Finnish European, 0.00017%; no homozygotes.

Submissions (2):

Ambry Genetics
Classification: Uncertain significance for Inborn genetic diseases. Last evaluated: 2025-11-05. Review status: criteria provided, single submitter. Criteria: Ambry Variant Classification Scheme 2023. Collection method: clinical testing. Allele origin: germline.

Labcorp Genetics (formerly Invitae), Labcorp
Classification: Uncertain significance. Last evaluated: 2024-10-23. Review status: criteria provided, single submitter. Criteria: Invitae Variant Classification Sherloc (09022015). Collection method: clinical testing. Allele origin: germline.
Comment: This sequence change replaces threonine, which is neutral and polar, with alanine, which is neutral and non-polar, at codon 2913 of the TRRAP protein (p.Thr2913Ala). This variant is not present in population databases (gnomAD no frequency). This variant has not been reported in the literature in individuals affected with TRRAP-related conditions. Invitae Evidence Modeling of protein sequence and biophysical properties (such as structural, functional, and spatial information, amino acid conservation, physicochemical variation, residue mobility, and thermodynamic stability) indicates that this missense variant is not expected to disrupt TRRAP protein function with a negative predictive value of 80%. In summary, the available evidence is currently insufficient to determine the role of this variant in disease. Therefore, it has been classified as a Variant of Uncertain Significance.